The following is an entry in ClinVar:

NM_006074.5(TRIM22):c.857T>C (p.Met286Thr)

Gene: TRIM22 (tripartite motif containing 22; plus strand). Cytogenetic location: 11p15.4.
Variant type: single nucleotide variant.
Coding change: c.857T>C on transcript NM_006074.5 (MANE Select); coding-DNA position 857, T replaced by C.
Protein change: p.Met286Thr; replaces methionine 286 with threonine.
Molecular consequence: missense variant.
Genome position (GRCh38, 1-based): chr11:5,708,256, T>C. VCF-style: chr11-5708256-T-C. GRCh37 (hg19) VCF-style: chr11-5729486-T-C.
Other names: c.845T>C, p.Met282Thr (NM_001199573.2); short protein forms M282T, M286T.
Identifiers: ClinVar variation 3351544 (VCV003351544.2).

ClinVar aggregate classification (germline): Uncertain significance. Review status: criteria provided, single submitter (1 of 4 stars). 2 submissions from 2 submitters: Uncertain significance (1). 1 of the submissions does not count toward it. Last evaluated 2025-09-01.

Conditions:
TRIM22-related disorder. Also called: TRIM22-related condition.

gnomAD v4.1: 249 of 1,613,914 alleles (0.015%); highest among the groups gnomAD compares: Non-Finnish European, 0.02%; 1 homozygote.

Submissions (2):

Ambry Genetics
Classification: Uncertain significance. Last evaluated: 2025-09-01. Review status: criteria provided, single submitter. Criteria: Ambry Variant Classification Scheme 2023. Collection method: clinical testing. Allele origin: germline.

PreventionGenetics, part of Exact Sciences
Classification: Uncertain significance for TRIM22-related condition. Last evaluated: 2024-05-11. Review status: no assertion criteria provided. Collection method: clinical testing. Allele origin: germline. Not counted in ClinVar's aggregate classification.
Comment: The TRIM22 c.857T>C variant is predicted to result in the amino acid substitution p.Met286Thr. To our knowledge, this variant has not been reported in the literature. This variant is reported in 0.0054% of alleles in individuals of European (Non-Finnish) descent in gnomAD. At this time, the clinical significance of this variant is uncertain due to the absence of conclusive functional and genetic evidence.